The following is an entry in ClinVar:

NM_001330311.2(DVL1):c.388G>A (p.Gly130Arg)

Gene: DVL1 (dishevelled segment polarity protein 1; minus strand). Cytogenetic location: 1p36.33.
Variant type: single nucleotide variant.
Coding change: c.388G>A on transcript NM_001330311.2 (MANE Select); coding-DNA position 388, G replaced by A.
Protein change: p.Gly130Arg; replaces glycine 130 with arginine.
Molecular consequence: missense variant.
Genome position (GRCh38, 1-based): chr1:1,342,131, C>T on the plus strand (G>A on the coding strand, the complement: DVL1 is on the minus strand). VCF-style: chr1-1342131-C-T. GRCh37 (hg19) VCF-style: chr1-1277511-C-T.
Other names: c.388G>A, p.Gly130Arg (NM_004421.3); short protein forms G130R.
Identifiers: ClinVar variation 1917423 (VCV001917423.19), dbSNP rs1363396787, ClinGen allele CA337875468.

ClinVar aggregate classification (germline): Conflicting classifications of pathogenicity. Review status: criteria provided, conflicting classifications (1 of 4 stars). 2 submissions from 2 submitters: Uncertain significance (1); Likely benign (1). Last evaluated 2024-09-01.

Allele frequency attached by ClinVar (database versions not stated): gnomAD 0.00001; TOPMed 0.00001.
gnomAD v4.1: 13 of 1,581,806 alleles (0.00082%); highest among the groups gnomAD compares: Non-Finnish European, 0.0011%; no homozygotes.

Submissions (2):

CeGaT Center for Human Genetics Tuebingen
Classification: Likely benign. Last evaluated: 2024-09-01. Review status: criteria provided, single submitter. Criteria: CeGaT Center For Human Genetics Tuebingen Variant Classification Criteria Version 2. Collection method: clinical testing. Allele origin: germline. Affected: yes. Observed: 1 variant allele.
Comment: DVL1: BS2

Labcorp Genetics (formerly Invitae), Labcorp
Classification: Uncertain significance. Last evaluated: 2022-08-07. Review status: criteria provided, single submitter. Criteria: Invitae Variant Classification Sherloc (09022015). Collection method: clinical testing. Allele origin: germline.
Comment: In summary, the available evidence is currently insufficient to determine the role of this variant in disease. Therefore, it has been classified as a Variant of Uncertain Significance. Algorithms developed to predict the effect of missense changes on protein structure and function are either unavailable or do not agree on the potential impact of this missense change (SIFT: "Tolerated"; PolyPhen-2: "Possibly Damaging"; Align-GVGD: "Class C0"). This variant has not been reported in the literature in individuals affected with DVL1-related conditions. This variant is not present in population databases (gnomAD no frequency). This sequence change replaces glycine, which is neutral and non-polar, with arginine, which is basic and polar, at codon 130 of the DVL1 protein (p.Gly130Arg).